The following is an entry in ClinVar:

NM_020759.3(STARD9):c.12033C>G (p.Val4011=)

Gene: STARD9 (StAR related lipid transfer domain containing 9; plus strand). Cytogenetic location: 15q15.2.
Variant type: single nucleotide variant.
Coding change: c.12033C>G on transcript NM_020759.3 (MANE Select); coding-DNA position 12033, C replaced by G.
Protein change: p.Val4011=; no amino-acid change (valine 4011 retained).
Molecular consequence: synonymous variant.
Genome position (GRCh38, 1-based): chr15:42,693,611, C>G. VCF-style: chr15-42693611-C-G. GRCh37 (hg19) VCF-style: chr15-42985809-C-G.
Identifiers: ClinVar variation 724264 (VCV000724264.5), dbSNP rs144221509, ClinGen allele CA7514859.

ClinVar aggregate classification (germline): Likely benign. Review status: criteria provided, single submitter (1 of 4 stars). 2 submissions from 2 submitters: Likely benign (1). 1 of the submissions does not count toward it. Last evaluated 2018-04-10.

Conditions:
STARD9-related disorder. Also called: STARD9-related condition.

Allele frequency attached by ClinVar (database versions not stated): gnomAD exomes 0.00039 and 0.00018; gnomAD 0.00171 and 0.00159; TOPMed 0.00187; 1000 Genomes Project 0.00220; ExAC 0.00063; 1000 Genomes Project 30x 0.00234.
gnomAD v4.1: 490 of 1,537,242 alleles (0.032%); highest among the groups gnomAD compares: African/African-American, 0.63%; no homozygotes.

Submissions (2):

Labcorp Genetics (formerly Invitae), Labcorp
Classification: Likely benign. Last evaluated: 2018-04-10. Review status: criteria provided, single submitter. Criteria: Invitae Variant Classification Sherloc (09022015). Collection method: clinical testing. Allele origin: germline.

PreventionGenetics, part of Exact Sciences
Classification: Likely benign for STARD9-related condition. Last evaluated: 2019-06-07. Review status: no assertion criteria provided. Collection method: clinical testing. Allele origin: germline. Not counted in ClinVar's aggregate classification.
Comment: This variant is classified as likely benign based on ACMG/AMP sequence variant interpretation guidelines (Richards et al. 2015 PMID: 25741868, with internal and published modifications).